The following is an entry in ClinVar:

ClinVar aggregate classification (germline): Uncertain significance. Review status: criteria provided, multiple submitters, no conflicts (2 of 4 stars). 2 submissions from 2 submitters: Uncertain significance (2). Last evaluated 2026-01-27.

Conditions:
Inborn genetic diseases. Identifiers: MedGen C0950123, MeSH D030342.

Allele frequency attached by ClinVar (database versions not stated): ExAC 0.00007; ESP Exome Variant Server 0.00008; 1000 Genomes Project 30x 0.00016; 1000 Genomes Project 0.00020.
gnomAD v4.1: 121 of 1,613,702 alleles (0.0075%); highest among the groups gnomAD compares: Non-Finnish European, 0.0086%; no homozygotes.

Submissions (2):

Labcorp Genetics (formerly Invitae), Labcorp
Classification: Uncertain significance. Last evaluated: 2026-01-27. Review status: criteria provided, single submitter. Criteria: Invitae Variant Classification Sherloc (09022015). Collection method: clinical testing. Allele origin: germline.
Comment: This sequence change replaces glycine, which is neutral and non-polar, with arginine, which is basic and polar, at codon 1575 of the SPTB protein (p.Gly1575Arg). This variant is present in population databases (rs368865153, gnomAD 0.01%). This variant has not been reported in the literature in individuals affected with SPTB-related conditions. ClinVar contains an entry for this variant (Variation ID: 3169513). An algorithm developed to predict the effect of missense changes on protein structure and function outputs the following: PolyPhen-2: "Benign". The arginine amino acid residue is found in multiple mammalian species, which suggests that this missense change does not adversely affect protein function. In summary, the available evidence is currently insufficient to determine the role of this variant in disease. Therefore, it has been classified as a Variant of Uncertain Significance.

Ambry Genetics
Classification: Uncertain significance for Inborn genetic diseases. Last evaluated: 2023-10-03. Review status: criteria provided, single submitter. Criteria: Ambry Variant Classification Scheme 2023. Collection method: clinical testing. Allele origin: germline.

NM_001355436.2(SPTB):c.4723G>A (p.Gly1575Arg)

Gene: SPTB (spectrin beta, erythrocytic; minus strand). Cytogenetic location: 14q23.3.
Variant type: single nucleotide variant.
Coding change: c.4723G>A on transcript NM_001355436.2 (MANE Select); coding-DNA position 4723, G replaced by A.
Protein change: p.Gly1575Arg; replaces glycine 1575 with arginine.
Molecular consequence: missense variant.
Genome position (GRCh38, 1-based): chr14:64,775,244, C>T on the plus strand (G>A on the coding strand, the complement: SPTB is on the minus strand). VCF-style: chr14-64775244-C-T. GRCh37 (hg19) VCF-style: chr14-65241962-C-T.
Other names: NM_000347.5:c.4723G>A; c.4723G>A, p.Gly1575Arg (NM_001024858.4, NM_001355437.2); short protein forms G1575R.
Identifiers: ClinVar variation 3169513 (VCV003169513.2), dbSNP rs368865153, ClinGen allele CA7230212.